The following is an entry in ClinVar:

NM_001235.5(SERPINH1):c.623-3C>T

Gene: SERPINH1 (serpin family H member 1; plus strand). Cytogenetic location: 11q13.5.
Variant type: single nucleotide variant.
Coding change: c.623-3C>T on transcript NM_001235.5 (MANE Select); 3 bases into the intron before coding-DNA position 623, C replaced by T.
Molecular consequence: intron variant.
Genome position (GRCh38, 1-based): chr11:75,568,728, C>T. VCF-style: chr11-75568728-C-T. GRCh37 (hg19) VCF-style: chr11-75279773-C-T.
Other names: c.623-3C>T (NM_001207014.3).
Identifiers: ClinVar variation 1971268 (VCV001971268.5), dbSNP rs780947291, ClinGen allele CA6190878.

ClinVar aggregate classification (germline): Uncertain significance (1 of 4 stars; one submission).

Allele frequency attached by ClinVar (database versions not stated): gnomAD 0.00001; TOPMed 0.00001; ExAC 0.00002.

Submission:

Labcorp Genetics (formerly Invitae), Labcorp
Classification: Uncertain significance. Last evaluated: 2022-03-26. Review status: criteria provided, single submitter. Criteria: Invitae Variant Classification Sherloc (09022015). Collection method: clinical testing. Allele origin: germline.
Comment: In summary, the available evidence is currently insufficient to determine the role of this variant in disease. Therefore, it has been classified as a Variant of Uncertain Significance. Variants that disrupt the consensus splice site are a relatively common cause of aberrant splicing (PMID: 17576681, 9536098). Algorithms developed to predict the effect of sequence changes on RNA splicing suggest that this variant is not likely to affect RNA splicing. This variant has not been reported in the literature in individuals affected with SERPINH1-related conditions. This variant is present in population databases (rs780947291, gnomAD 0.04%). This sequence change falls in intron 2 of the SERPINH1 gene. It does not directly change the encoded amino acid sequence of the SERPINH1 protein. It affects a nucleotide within the consensus splice site.

Literature cited by the submitters: PubMed 17576681; PubMed 9536098.